The following is an entry in ClinVar:

ClinVar aggregate classification (germline): Benign/Likely benign. Review status: criteria provided, multiple submitters, no conflicts (2 of 4 stars). 3 submissions from 3 submitters: Benign (1); Likely benign (2). Last evaluated 2025-12-08.

Conditions:
Cardiovascular phenotype. Identifiers: MedGen CN230736.
Capillary malformation-arteriovenous malformation syndrome. Also called: Capillary malformation-arteriovenous malformation. Identifiers: Orphanet 137667, MedGen C1842180, MONDO:0012016.
Capillary malformation-arteriovenous malformation 1 (CMAVM1). Identifiers: Orphanet 137667, Orphanet 693907, MedGen C4747394, MONDO:0020783, OMIM 608354.

Allele frequency attached by ClinVar (database versions not stated): TOPMed 0.00007.
gnomAD v4.1: 193 of 1,613,968 alleles (0.012%); highest among the groups gnomAD compares: Non-Finnish European, 0.015%; no homozygotes.

Submissions (3):

Labcorp Genetics (formerly Invitae), Labcorp
Classification: Likely benign for Capillary malformation-arteriovenous malformation syndrome. Last evaluated: 2025-12-08. Review status: criteria provided, single submitter. Criteria: Invitae Variant Classification Sherloc (09022015). Collection method: clinical testing. Allele origin: germline.

Ambry Genetics
Classification: Likely benign for Cardiovascular phenotype. Last evaluated: 2022-04-09. Review status: criteria provided, single submitter. Criteria: Ambry Variant Classification Scheme 2023. Collection method: clinical testing. Allele origin: germline.

Illumina Laboratory Services, Illumina
Classification: Benign for Capillary malformation-arteriovenous malformation 1. Last evaluated: 2017-04-27. Review status: criteria provided, single submitter. Criteria: ICSL Variant Classification Criteria 13 December 2019. Collection method: clinical testing. Allele origin: germline.
Comment: This variant was observed as part of a predisposition screen in an ostensibly healthy population. A literature search was performed for the gene, cDNA change, and amino acid change (where applicable). No publications were found based on this search. Allele frequency data from public databases was too high to be consistent with this variant causing disease. Therefore, this variant is classified as benign.

NM_002890.3(RASA1):c.360C>G (p.Pro120=)

Gene: RASA1 (RAS p21 protein activator 1; plus strand). Cytogenetic location: 5q14.3.
Variant type: single nucleotide variant.
Coding change: c.360C>G on transcript NM_002890.3 (MANE Select); coding-DNA position 360, C replaced by G.
Protein change: p.Pro120=; no amino-acid change (proline 120 retained).
Molecular consequence: synonymous variant.
Genome position (GRCh38, 1-based): chr5:87,268,811, C>G. VCF-style: chr5-87268811-C-G. GRCh37 (hg19) VCF-style: chr5-86564628-C-G.
Identifiers: ClinVar variation 904566 (VCV000904566.15), dbSNP rs137878395, ClinGen allele CA3335412.